The following is an entry in ClinVar:

ClinVar aggregate classification (germline): Uncertain significance (1 of 4 stars; one submission).

Conditions:
Vici syndrome (VICIS). Identifiers: Orphanet 1493, MedGen C1855772, MONDO:0009452, OMIM 242840.

Allele frequency attached by ClinVar (database versions not stated): TOPMed below 0.00001.

Submission:

Labcorp Genetics (formerly Invitae), Labcorp
Classification: Uncertain significance for Vici syndrome. Last evaluated: 2020-10-26. Review status: criteria provided, single submitter. Criteria: Invitae Variant Classification Sherloc (09022015). Collection method: clinical testing. Allele origin: germline.
Comment: In summary, the available evidence is currently insufficient to determine the role of this variant in disease. Therefore, it has been classified as a Variant of Uncertain Significance. Algorithms developed to predict the effect of missense changes on protein structure and function are either unavailable or do not agree on the potential impact of this missense change (SIFT: "Deleterious"; PolyPhen-2: "Probably Damaging"; Align-GVGD: "Class C0"). This variant has not been reported in the literature in individuals with EPG5-related conditions. This variant is not present in population databases (ExAC no frequency). This sequence change replaces proline with histidine at codon 7 of the EPG5 protein (p.Pro7His). The proline residue is moderately conserved and there is a moderate physicochemical difference between proline and histidine.

NM_020964.3(EPG5):c.20C>A (p.Pro7His)

Gene: EPG5 (ectopic P-granules 5 autophagy tethering factor; minus strand). Cytogenetic location: 18q21.1.
Variant type: single nucleotide variant.
Coding change: c.20C>A on transcript NM_020964.3 (MANE Select); coding-DNA position 20, C replaced by A.
Protein change: p.Pro7His; replaces proline 7 with histidine.
Molecular consequence: missense variant.
Genome position (GRCh38, 1-based): chr18:45,967,220, G>T on the plus strand (C>A on the coding strand, the complement: EPG5 is on the minus strand). VCF-style: chr18-45967220-G-T. GRCh37 (hg19) VCF-style: chr18-43547186-G-T.
Other names: short protein forms P7H.
Identifiers: ClinVar variation 1406592 (VCV001406592.9), dbSNP rs1368802413, ClinGen allele CA402350142.